The following is an entry in ClinVar:

ClinVar aggregate classification (germline): Uncertain significance. Review status: criteria provided, multiple submitters, no conflicts (2 of 4 stars). 2 submissions from 2 submitters: Uncertain significance (2). Last evaluated 2025-08-03.

Conditions:
Inborn genetic diseases. Identifiers: MedGen C0950123, MeSH D030342.
Gamma-aminobutyric acid transaminase deficiency (GABATD). Also called: GABA aminotransaminase deficiency; GABA transaminase deficiency; Gamma aminobutyrate transaminase deficiency; 4 alpha aminobutyrate transaminase deficiency. Identifiers: Orphanet 2066, MedGen C0342708, MONDO:0013166, OMIM 613163.

Allele frequency attached by ClinVar (database versions not stated): gnomAD exomes below 0.00001 and 0.00001; gnomAD 0.00001; TOPMed 0.00002.
gnomAD v4.1: 4 of 1,613,608 alleles (0.00025%); highest among the groups gnomAD compares: Non-Finnish European, 0.00034%; no homozygotes.

Submissions (2):

Ambry Genetics
Classification: Uncertain significance for Inborn genetic diseases. Last evaluated: 2025-08-03. Review status: criteria provided, single submitter. Criteria: Ambry Variant Classification Scheme 2023. Collection method: clinical testing. Allele origin: germline.

Labcorp Genetics (formerly Invitae), Labcorp
Classification: Uncertain significance for Gamma-aminobutyric acid transaminase deficiency. Last evaluated: 2022-02-10. Review status: criteria provided, single submitter. Criteria: Invitae Variant Classification Sherloc (09022015). Collection method: clinical testing. Allele origin: germline.
Comment: ClinVar contains an entry for this variant (Variation ID: 848261). This variant has not been reported in the literature in individuals affected with ABAT-related conditions. This variant is present in population databases (no rsID available, gnomAD no frequency). This sequence change replaces phenylalanine, which is neutral and non-polar, with leucine, which is neutral and non-polar, at codon 258 of the ABAT protein (p.Phe258Leu). Algorithms developed to predict the effect of missense changes on protein structure and function are either unavailable or do not agree on the potential impact of this missense change (SIFT: "Tolerated"; PolyPhen-2: "Possibly Damaging"; Align-GVGD: "Class C0"). In summary, the available evidence is currently insufficient to determine the role of this variant in disease. Therefore, it has been classified as a Variant of Uncertain Significance.

NM_020686.6(ABAT):c.772T>C (p.Phe258Leu)

Gene: ABAT (4-aminobutyrate aminotransferase; plus strand). Cytogenetic location: 16p13.2.
Variant type: single nucleotide variant.
Coding change: c.772T>C on transcript NM_020686.6 (MANE Select); coding-DNA position 772, T replaced by C.
Protein change: p.Phe258Leu; replaces phenylalanine 258 with leucine.
Molecular consequence: missense variant.
Genome position (GRCh38, 1-based): chr16:8,768,929, T>C. VCF-style: chr16-8768929-T-C. GRCh37 (hg19) VCF-style: chr16-8862786-T-C.
Other names: c.772T>C, p.Phe258Leu (NM_000663.5, NM_001127448.2, NM_001386600.1 and 7 more transcripts); c.709T>C, p.Phe237Leu (NM_001386606.1, NM_001386607.1); c.679T>C, p.Phe227Leu (NM_001386608.1); c.637T>C, p.Phe213Leu (NM_001386610.1, NM_001386611.1); c.574T>C, p.Phe192Leu (NM_001386612.1, NM_001386613.1); c.526T>C, p.Phe176Leu (NM_001386614.1); c.868T>C, p.Phe290Leu (NM_001386615.1); short protein forms F258L, F176L, F192L, F213L, F227L, F237L, F290L.
Identifiers: ClinVar variation 848261 (VCV000848261.10), dbSNP rs1179196079, ClinGen allele CA394689076.